The following is an entry in ClinVar:

NM_033004.4(NLRP1):c.664A>G (p.Arg222Gly)

Gene: NLRP1 (NLR family pyrin domain containing 1; minus strand). Cytogenetic location: 17p13.2.
Variant type: single nucleotide variant.
Coding change: c.664A>G on transcript NM_033004.4 (MANE Select); coding-DNA position 664, A replaced by G.
Protein change: p.Arg222Gly; replaces arginine 222 with glycine.
Molecular consequence: missense variant.
Genome position (GRCh38, 1-based): chr17:5,560,032, T>C on the plus strand (A>G on the coding strand, the complement: NLRP1 is on the minus strand). VCF-style: chr17-5560032-T-C. GRCh37 (hg19) VCF-style: chr17-5463352-T-C.
Other names: c.664A>G, p.Arg222Gly (NM_001033053.3, NM_014922.5, NM_033006.4 and 1 more transcripts); short protein forms R222G.
Identifiers: ClinVar variation 2184059 (VCV002184059.4), dbSNP rs757650018, ClinGen allele CA8327515.
Genomic context (GRCh38, chr17:5,560,032, plus strand): 5'-GGGGCGTTCCTACCACCGCTGCCCATGGGGGCCTGCCTTTCTCTGATTTCTCTCTCTCTC[T>C]TTCTCTGATTTCTAAGTAAGGGAGGGAAAGAAGGAACATAAAGGTAGAGAATAGAAGAAT-3'
Protein context (NP_127497.1, residues 212-232): SGIYYTEIRE[Arg222Gly]EREKSEKGRP

ClinVar aggregate classification (germline): Uncertain significance (1 of 4 stars; one submission).

Allele frequency attached by ClinVar (database versions not stated): ExAC 0.00001; gnomAD 0.00001; gnomAD exomes 0.00002; TOPMed 0.00002.
gnomAD v4.1: 27 of 1,557,456 alleles (0.0017%); highest among the groups gnomAD compares: Non-Finnish European, 0.0023%; no homozygotes.

Submission:

Labcorp Genetics (formerly Invitae), Labcorp
Classification: Uncertain significance. Last evaluated: 2023-10-05. Review status: criteria provided, single submitter. Criteria: Invitae Variant Classification Sherloc (09022015). Collection method: clinical testing. Allele origin: germline.
Comment: This sequence change replaces arginine, which is basic and polar, with glycine, which is neutral and non-polar, at codon 222 of the NLRP1 protein (p.Arg222Gly). This variant is present in population databases (rs757650018, gnomAD 0.001%). This variant has not been reported in the literature in individuals affected with NLRP1-related conditions. ClinVar contains an entry for this variant (Variation ID: 2184059). An algorithm developed to predict the effect of missense changes on protein structure and function (PolyPhen-2) suggests that this variant is likely to be tolerated. In summary, the available evidence is currently insufficient to determine the role of this variant in disease. Therefore, it has been classified as a Variant of Uncertain Significance.